The following is an entry in ClinVar:

NM_015662.3(IFT172):c.3466-13TC[2]

Gene: IFT172 (intraflagellar transport 172; minus strand). Cytogenetic location: 2p23.3.
Variant type: Microsatellite.
Coding change: c.3466-13TC[2] on transcript NM_015662.3 (MANE Select); two copies in a row of the 2-base unit TC starting at c.3466-13; the reference has three copies in a row; one copy, 2 bases deleted.
Molecular consequence: intron variant.
Genome position (GRCh38, 1-based): chr2:27,454,426-27,454,427, GA deleted on the plus strand (TC on the coding strand, the reverse complement: IFT172 is on the minus strand); deleting any 2 consecutive bases within chr2:27,454,426-27,454,431 gives the same sequence; the position shown is the placement nearest the transcript's 3' end. VCF-style (leftmost placement, unchanged base first): chr2-27454425-GGA-G. GRCh37 (hg19) VCF-style: chr2-27677292-GGA-G.
Other names: c.3466-9_3466-8delTC (NM_015662.2).
Identifiers: ClinVar variation 1638084 (VCV001638084.11), dbSNP rs773373497, ClinGen allele CA1579966.

ClinVar aggregate classification (germline): Likely benign. Review status: criteria provided, multiple submitters, no conflicts (2 of 4 stars). 3 submissions from 3 submitters: Likely benign (2). 1 of the submissions does not count toward it. Last evaluated 2025-08-16.

Conditions:
IFT172-related disorder. Also called: IFT172-related disorders; IFT172-related condition.
Retinitis pigmentosa 71 (RP71). Identifiers: Orphanet 791, MedGen C4225342, MONDO:0014618, OMIM 616394.
Short-rib thoracic dysplasia 10 with or without polydactyly (SRTD10). Identifiers: Orphanet 474, MedGen C3810175, MONDO:0014284, OMIM 615630.

Submissions (3):

Labcorp Genetics (formerly Invitae), Labcorp
Classification: Likely benign for Retinitis pigmentosa 71; Short-rib thoracic dysplasia 10 with or without polydactyly. Last evaluated: 2025-08-16. Review status: criteria provided, single submitter. Criteria: Invitae Variant Classification Sherloc (09022015). Collection method: clinical testing. Allele origin: germline.

Blueprint Genetics
Classification: Likely benign. Last evaluated: 2024-11-25. Review status: criteria provided, single submitter. Criteria: ACMG Guidelines, 2015. Collection method: clinical testing. Allele origin: germline.

PreventionGenetics, part of Exact Sciences
Classification: Likely benign for IFT172-related condition. Last evaluated: 2023-04-05. Review status: no assertion criteria provided. Collection method: clinical testing. Allele origin: germline. Not counted in ClinVar's aggregate classification.
Comment: This variant is classified as likely benign based on ACMG/AMP sequence variant interpretation guidelines (Richards et al. 2015 PMID: 25741868, with internal and published modifications).